The following is an entry in ClinVar:

ClinVar aggregate classification (germline): Likely pathogenic (1 of 4 stars; one submission).

Conditions:
Lethal multiple pterygium syndrome (LMPS). Identifiers: Orphanet 33108, MedGen C1854678, MONDO:0009668, OMIM 253290.
Congenital myasthenic syndrome 3A. Also called: Myasthenic syndrome, congenital, 3a, slow-channel. Identifiers: Orphanet 590, MedGen C4225372, MONDO:0014583, OMIM 616321.
Congenital myasthenic syndrome 3B (CMS3B). Also called: Myasthenic syndrome, congenital, 3B, fast-channel. Identifiers: Orphanet 590, MedGen C4225371, MONDO:0014584, OMIM 616322.
Congenital myasthenic syndrome 3C. Also called: Myasthenic syndrome, congenital, 3c, associated with acetylcholine receptor deficiency. Identifiers: Orphanet 590, MedGen C4225370, MONDO:0014585, OMIM 616323.

Submission:

Juno Genomics, Hangzhou Juno Genomics, Inc
Classification: Likely pathogenic for Congenital myasthenic syndrome 3A; Congenital myasthenic syndrome 3C; Lethal multiple pterygium syndrome; Congenital myasthenic syndrome 3B. Review status: criteria provided, single submitter. Criteria: ACMG Guidelines, 2015. Collection method: clinical testing. Allele origin: germline. Affected: yes.
Comment: Absent from controls (or at extremely low frequency if recessive) in Genome Aggregation Database, Exome Sequencing Project, 1000 Genomes Project, or Exome Aggregation Consortium.;Null variant in a gene where loss of function (LOF) is a known mechanism of disease.

NM_000751.3(CHRND):c.166_172del (p.Leu56fs)

Gene: CHRND (cholinergic receptor nicotinic delta subunit; plus strand). Cytogenetic location: 2q37.1.
Variant type: Deletion.
Coding change: c.166_172del on transcript NM_000751.3 (MANE Select); coding-DNA positions 166 to 172, 7 bases deleted (CTGGCCC; older notation c.166_172delCTGGCCC).
Protein change: p.Leu56fs; shifts the reading frame from leucine 56.
Molecular consequence: frameshift variant. On other transcripts: 5 prime UTR variant (2).
Genome position (GRCh38, 1-based): chr2:232,526,642-232,526,648, CTGGCCC deleted; deleting any 7 consecutive bases within chr2:232,526,640-232,526,648 gives the same sequence; the c. name uses the placement nearest the transcript's 3' end. VCF-style (leftmost placement, unchanged base first): chr2-232526639-GCCCTGGC-G. GRCh37 (hg19) VCF-style: chr2-233391349-GCCCTGGC-G.
Other names: c.166_172del, p.Leu56fs (NM_001256657.2); c.-106_-100del (NM_001311195.2, NM_001311196.2); short protein forms L56fs.
Identifiers: ClinVar variation 3899381 (VCV003899381.2).
Genomic context (GRCh38, chr2:232,526,639, plus strand): 5'-GAGAAGGGCTACAACAAGGAGCTCCGGCCCGTGGCACACAAAGAGGAGAGTGTGGACGTT[GCCCTGGC>G]CCTCACACTCTCCAACCTCATCTCCCTGGTGAGAGGCCCTCCGGTGCTGGGTTGGGAGGG-3'